The following is an entry in ClinVar:

NM_014714.4(IFT140):c.2594_2607del (p.Leu865fs)

Gene: IFT140 (intraflagellar transport 140; minus strand). Cytogenetic location: 16p13.3.
Variant type: Deletion.
Coding change: c.2594_2607del on transcript NM_014714.4 (MANE Select); coding-DNA positions 2594 to 2607, 14 bases deleted (TGTACAGGAAGTGC).
Protein change: p.Leu865fs; shifts the reading frame from leucine 865.
Molecular consequence: frameshift variant.
Genome position (GRCh38, 1-based): chr16:1,526,048-1,526,061, GCACTTCCTGTACA deleted on the plus strand (TGTACAGGAAGTGC on the coding strand, the reverse complement: IFT140 is on the minus strand); deleting any 14 consecutive bases within chr16:1,526,048-1,526,063 gives the same sequence; the c. name uses the placement nearest the transcript's 3' end. VCF-style (leftmost placement, unchanged base first): chr16-1526047-TGCACTTCCTGTACA-T. GRCh37 (hg19) VCF-style: chr16-1576048-TGCACTTCCTGTACA-T.
Other names: short protein forms L865fs.
Identifiers: ClinVar variation 5038228 (VCV005038228.1).
Genomic context (GRCh38, chr16:1,526,047, plus strand): 5'-GGAGGGCCTCCTGCCACCGGCCCGCAGCCTGGTAGAACTTGTTCAGGAGGTCGTGGCGCT[TGCACTTCCTGTACA>T]GCTGCTCGGCGTCCTCCTGAGGAATGAGGATGGGCAGGTGTCGTGCAGCCTCCACACACC-3'

ClinVar aggregate classification (germline): Likely pathogenic (1 of 4 stars; one submission).

Conditions:
Polycystic kidney disease 9, susceptibility to. Identifiers: MedGen C6012712, MONDO:0976267, OMIM 621164.

Submission:

MVZ Medizinische Genetik Mainz
Classification: Likely pathogenic for Polycystic kidney disease 9, susceptibility to. Last evaluated: 2026-02-02. Review status: criteria provided, single submitter. Criteria: UK Practice Guidelines For Variant Classification V4 01 2020. Collection method: clinical testing. Allele origin: germline. Inheritance: Autosomal dominant inheritance. Affected: yes. Observed: 1 variant allele.
Comment: ACMG Criteria: PVS1,PM2_SUP